The following is an entry in ClinVar:

NM_002335.4(LRP5):c.2834C>T (p.Thr945Ile)

Gene: LRP5 (LDL receptor related protein 5; plus strand). Cytogenetic location: 11q13.2.
Variant type: single nucleotide variant.
Coding change: c.2834C>T on transcript NM_002335.4 (MANE Select); coding-DNA position 2834, C replaced by T.
Protein change: p.Thr945Ile; replaces threonine 945 with isoleucine.
Molecular consequence: missense variant.
Genome position (GRCh38, 1-based): chr11:68,416,334, C>T. VCF-style: chr11-68416334-C-T. GRCh37 (hg19) VCF-style: chr11-68183802-C-T.
Other names: c.1091C>T, p.Thr364Ile (NM_001291902.2); short protein forms T945I, T364I.
Identifiers: ClinVar variation 3684758 (VCV003684758.2).
Genomic context (GRCh38, chr11:68,416,334, plus strand): 5'-GCTCCTCTGTGGCTTACAGACACCCACCTGCAGCCCTGTCTTTGCCTCCTCTAGCGCCCA[C>T]CACCTTCTTGCTGTTCAGCCAGAAATCTGCCATCAGTCGGATGATCCCGGACGACCAGCA-3'
Protein context (NP_002326.2, residues 935-955): DPSSRNCSPP[Thr945Ile]TFLLFSQKSA

ClinVar aggregate classification (germline): Uncertain significance (1 of 4 stars; one submission).

gnomAD v4.1: 2 of 1,614,080 alleles (0.00012%); highest among the groups gnomAD compares: South Asian, 0.0011%; no homozygotes.

Submission:

Labcorp Genetics (formerly Invitae), Labcorp
Classification: Uncertain significance. Last evaluated: 2024-05-14. Review status: criteria provided, single submitter. Criteria: Invitae Variant Classification Sherloc (09022015). Collection method: clinical testing. Allele origin: germline.
Comment: This sequence change replaces threonine, which is neutral and polar, with isoleucine, which is neutral and non-polar, at codon 945 of the LRP5 protein (p.Thr945Ile). This variant is not present in population databases (gnomAD no frequency). This variant has not been reported in the literature in individuals affected with LRP5-related conditions. Advanced modeling of protein sequence and biophysical properties (such as structural, functional, and spatial information, amino acid conservation, physicochemical variation, residue mobility, and thermodynamic stability) performed at Invitae indicates that this missense variant is not expected to disrupt LRP5 protein function with a negative predictive value of 95%. In summary, the available evidence is currently insufficient to determine the role of this variant in disease. Therefore, it has been classified as a Variant of Uncertain Significance.